The following is an entry in ClinVar:

NM_001018115.3(FANCD2):c.2632A>C (p.Lys878Gln)

Genes: FANCD2 (FA complementation group D2; plus strand), LOC107303338 (3p25 FANCD2 Alu-mediated recombination region; plus strand). Cytogenetic location: 3p25.3.
Variant type: single nucleotide variant.
Coding change: c.2632A>C on transcript NM_001018115.3 (MANE Select); coding-DNA position 2632, A replaced by C.
Protein change: p.Lys878Gln; replaces lysine 878 with glutamine.
Molecular consequence: missense variant.
Genome position (GRCh38, 1-based): chr3:10,073,279, A>C. VCF-style: chr3-10073279-A-C. GRCh37 (hg19) VCF-style: chr3-10114963-A-C.
Other names: c.2632A>C, p.Lys878Gln (NM_001319984.2, NM_001374254.1, NM_033084.6); c.2521A>C, p.Lys841Gln (NM_001374253.1); short protein forms K841Q, K878Q.
Identifiers: ClinVar variation 1349281 (VCV001349281.6), dbSNP rs780018258, ClinGen allele CA2250145.
Genomic context (GRCh38, chr3:10,073,279, plus strand): 5'-TACTTGAGTCACTTTTCTCTTTTTAATATAAAAGAAAGGAAACAAAAAACAGATGGCAGC[A>C]AGACATCCTCCTCTGACACACTTTCAGAAGAGAAAAATTCAGAATGTGACCCTACGCCAT-3'
Protein context (NP_001018125.1, residues 868-888): IERKQKTDGS[Lys878Gln]TSSSDTLSEE

ClinVar aggregate classification (germline): Uncertain significance (1 of 4 stars; one submission).

Conditions:
Fanconi anemia (FA). Also called: Fanconi's anemia. Identifiers: Orphanet 84, MedGen C0015625, MeSH D005199, MONDO:0019391.

Allele frequency attached by ClinVar (database versions not stated): TOPMed below 0.00001; ExAC 0.00001; gnomAD 0.00001.
gnomAD v4.1: 14 of 1,613,862 alleles (0.00087%); highest among the groups gnomAD compares: Non-Finnish European, 0.0012%; no homozygotes.

Submission:

Labcorp Genetics (formerly Invitae), Labcorp
Classification: Uncertain significance for Fanconi anemia. Last evaluated: 2024-04-29. Review status: criteria provided, single submitter. Criteria: Invitae Variant Classification Sherloc (09022015). Collection method: clinical testing. Allele origin: germline.
Comment: This sequence change replaces lysine, which is basic and polar, with glutamine, which is neutral and polar, at codon 878 of the FANCD2 protein (p.Lys878Gln). This variant is present in population databases (rs780018258, gnomAD 0.007%). This variant has not been reported in the literature in individuals affected with FANCD2-related conditions. ClinVar contains an entry for this variant (Variation ID: 1349281). Advanced modeling of protein sequence and biophysical properties (such as structural, functional, and spatial information, amino acid conservation, physicochemical variation, residue mobility, and thermodynamic stability) performed at Invitae indicates that this missense variant is not expected to disrupt FANCD2 protein function with a negative predictive value of 80%. In summary, the available evidence is currently insufficient to determine the role of this variant in disease. Therefore, it has been classified as a Variant of Uncertain Significance.